The following is an entry in ClinVar:

ClinVar aggregate classification (germline): Likely benign. Review status: criteria provided, multiple submitters, no conflicts (2 of 4 stars). 2 submissions from 2 submitters: Likely benign (2). Last evaluated 2026-04-01.

Conditions:
Early-infantile DEE. Also called: Early infantile epileptic encephalopathy; Ohtahara syndrome; Early infantile epileptic encephalopathy with suppression bursts. Identifiers: Orphanet 1934, MedGen C0393706, MONDO:0800491.

Allele frequency attached by ClinVar (database versions not stated): gnomAD 0.00001; TOPMed 0.00001; ExAC 0.00009.
gnomAD v4.1: 27 of 1,603,722 alleles (0.0017%); highest among the groups gnomAD compares: South Asian, 0.018%; 1 homozygote.

Submissions (2):

CeGaT Center for Human Genetics Tuebingen
Classification: Likely benign. Last evaluated: 2026-04-01. Review status: criteria provided, single submitter. Criteria: CeGaT Center For Human Genetics Tuebingen Variant Classification Criteria Version 2. Collection method: clinical testing. Allele origin: germline. Affected: yes. Observed: 2 variant alleles.
Comment: KCNQ2: BP4, BP7

Labcorp Genetics (formerly Invitae), Labcorp
Classification: Likely benign for Early-infantile DEE. Last evaluated: 2025-12-21. Review status: criteria provided, single submitter. Criteria: Invitae Variant Classification Sherloc (09022015). Collection method: clinical testing. Allele origin: germline.

NM_172107.4(KCNQ2):c.2547C>T (p.Cys849=)

Gene: KCNQ2 (potassium voltage-gated channel subfamily Q member 2; minus strand). Cytogenetic location: 20q13.33.
Variant type: single nucleotide variant.
Coding change: c.2547C>T on transcript NM_172107.4 (MANE Select); coding-DNA position 2547, C replaced by T.
Protein change: p.Cys849=; no amino-acid change (cysteine 849 retained).
Molecular consequence: synonymous variant.
Genome position (GRCh38, 1-based): chr20:63,406,716, G>A on the plus strand (C>T on the coding strand, the complement: KCNQ2 is on the minus strand). VCF-style: chr20-63406716-G-A. GRCh37 (hg19) VCF-style: chr20-62038069-G-A.
Other names: c.2601C>T, p.Cys867= (NM_001382235.1); c.2463C>T, p.Cys821= (NM_004518.6); c.2493C>T, p.Cys831= (NM_172106.3); c.2454C>T, p.Cys818= (NM_172108.5).
Identifiers: ClinVar variation 2418576 (VCV002418576.31), dbSNP rs746730588, ClinGen allele CA9958060.